The following is an entry in ClinVar:

NM_000428.3(LTBP2):c.1790C>T (p.Ala597Val)

Gene: LTBP2 (latent transforming growth factor beta binding protein 2; minus strand). Cytogenetic location: 14q24.3.
Variant type: single nucleotide variant.
Coding change: c.1790C>T on transcript NM_000428.3 (MANE Select); coding-DNA position 1790, C replaced by T.
Protein change: p.Ala597Val; replaces alanine 597 with valine.
Molecular consequence: missense variant.
Genome position (GRCh38, 1-based): chr14:74,536,000, G>A on the plus strand (C>T on the coding strand, the complement: LTBP2 is on the minus strand). VCF-style: chr14-74536000-G-A. GRCh37 (hg19) VCF-style: chr14-75002703-G-A.
Other names: short protein forms A597V.
Identifiers: ClinVar variation 1436941 (VCV001436941.3), dbSNP rs556389409, ClinGen allele CA7269761.
Genomic context (GRCh38, chr14:74,536,000, plus strand): 5'-AGGTTCAGTCTCTTGTACCCCTGAGGACACTCCAGCTGGCCATTCTCAATCACCGGGGAG[G>A]CTGAAGAGTGGAGATACGGACAGGTCTCACTGGACGGCCCCTGGGCTCCTCTGTCACCCA-3'
Protein context (NP_000419.1, residues 587-607): TLCAPCPPRP[Ala597Val]SPVIENGQLE

ClinVar aggregate classification (germline): Uncertain significance (1 of 4 stars; one submission).

Allele frequency attached by ClinVar (database versions not stated): ExAC 0.00001; gnomAD 0.00001; gnomAD exomes 0.00001 and 0.00002; TOPMed 0.00002; 1000 Genomes Project 30x 0.00016; 1000 Genomes Project 0.00020.
gnomAD v4.1: 14 of 1,613,942 alleles (0.00087%); highest among the groups gnomAD compares: Admixed American, 0.023%; no homozygotes.

Submission:

Labcorp Genetics (formerly Invitae), Labcorp
Classification: Uncertain significance. Last evaluated: 2021-11-14. Review status: criteria provided, single submitter. Criteria: Invitae Variant Classification Sherloc (09022015). Collection method: clinical testing. Allele origin: germline.
Comment: This sequence change replaces alanine, which is neutral and non-polar, with valine, which is neutral and non-polar, at codon 597 of the LTBP2 protein (p.Ala597Val). This variant is present in population databases (rs556389409, gnomAD 0.009%). This variant has not been reported in the literature in individuals affected with LTBP2-related conditions. Algorithms developed to predict the effect of missense changes on protein structure and function are either unavailable or do not agree on the potential impact of this missense change (SIFT: "Tolerated"; PolyPhen-2: "Possibly Damaging"; Align-GVGD: "Class C0"). In summary, the available evidence is currently insufficient to determine the role of this variant in disease. Therefore, it has been classified as a Variant of Uncertain Significance.